The following is an entry in ClinVar:

NM_001375808.2(LPIN2):c.948C>T (p.Ser316=)

Gene: LPIN2 (lipin 2; minus strand). Cytogenetic location: 18p11.31.
Variant type: single nucleotide variant.
Coding change: c.948C>T on transcript NM_001375808.2 (MANE Select); coding-DNA position 948, C replaced by T.
Protein change: p.Ser316=; no amino-acid change (serine 316 retained).
Molecular consequence: synonymous variant.
Genome position (GRCh38, 1-based): chr18:2,937,912, G>A on the plus strand (C>T on the coding strand, the complement: LPIN2 is on the minus strand). VCF-style: chr18-2937912-G-A. GRCh37 (hg19) VCF-style: chr18-2937910-G-A.
Other names: c.948C>T, p.Ser316= (NM_001375809.1, NM_014646.2).
Identifiers: ClinVar variation 2648524 (VCV002648524.24), dbSNP rs758083839, ClinGen allele CA8873242.

ClinVar aggregate classification (germline): Likely benign (1 of 4 stars; one submission).

Allele frequency attached by ClinVar (database versions not stated): gnomAD exomes below 0.00001; ExAC 0.00001.
gnomAD v4.1: 1 of 1,614,118 alleles (0.000062%); highest among the groups gnomAD compares: Non-Finnish European, 0.000085%; no homozygotes.

Submission:

CeGaT Center for Human Genetics Tuebingen
Classification: Likely benign. Last evaluated: 2022-09-01. Review status: criteria provided, single submitter. Criteria: CeGaT Center For Human Genetics Tuebingen Variant Classification Criteria Version 2. Collection method: clinical testing. Allele origin: germline. Affected: yes. Observed: 1 variant allele.
Comment: LPIN2: PM2:Supporting, BP4, BP7